The following is an entry in ClinVar:

ClinVar aggregate classification (germline): Uncertain significance (1 of 4 stars; one submission).

Conditions:
Early Myoclonic Encephalopathy. Identifiers: MedGen C0270855.

Allele frequency attached by ClinVar (database versions not stated): gnomAD exomes 0.00002 and 0.00004; ExAC 0.00002; gnomAD 0.00001; TOPMed 0.00002.
gnomAD v4.1: 12 of 1,613,980 alleles (0.00074%); highest among the groups gnomAD compares: Admixed American, 0.02%; no homozygotes.

Submission:

Labcorp Genetics (formerly Invitae), Labcorp
Classification: Uncertain significance for Early Myoclonic Encephalopathy. Last evaluated: 2025-08-30. Review status: criteria provided, single submitter. Criteria: Invitae Variant Classification Sherloc (09022015). Collection method: clinical testing. Allele origin: germline.
Comment: This sequence change replaces alanine, which is neutral and non-polar, with valine, which is neutral and non-polar, at codon 1129 of the JMJD1C protein (p.Ala1129Val). This variant is present in population databases (rs769751911, gnomAD 0.03%). This variant has not been reported in the literature in individuals affected with JMJD1C-related conditions. ClinVar contains an entry for this variant (Variation ID: 1372581). Invitae Evidence Modeling of protein sequence and biophysical properties (such as structural, functional, and spatial information, amino acid conservation, physicochemical variation, residue mobility, and thermodynamic stability) indicates that this missense variant is not expected to disrupt JMJD1C protein function with a negative predictive value of 80%. In summary, the available evidence is currently insufficient to determine the role of this variant in disease. Therefore, it has been classified as a Variant of Uncertain Significance.

NM_032776.3(JMJD1C):c.3386C>T (p.Ala1129Val)

Gene: JMJD1C (jumonji domain containing 1C; minus strand). Cytogenetic location: 10q21.3.
Variant type: single nucleotide variant.
Coding change: c.3386C>T on transcript NM_032776.3 (MANE Select); coding-DNA position 3386, C replaced by T.
Protein change: p.Ala1129Val; replaces alanine 1129 with valine.
Molecular consequence: missense variant. On other transcripts: non-coding transcript variant (1).
Genome position (GRCh38, 1-based): chr10:63,208,283, G>A on the plus strand (C>T on the coding strand, the complement: JMJD1C is on the minus strand). VCF-style: chr10-63208283-G-A. GRCh37 (hg19) VCF-style: chr10-64968043-G-A.
Other names: c.2840C>T, p.Ala947Val (NM_001282948.2, NM_001318154.2); c.2522C>T, p.Ala841Val (NM_001318153.2); c.3272C>T, p.Ala1091Val (NM_001322252.2); c.2729C>T, p.Ala910Val (NM_001322254.2, NM_001322258.2); short protein forms A841V, A1091V, A1129V, A910V, A947V.
Identifiers: ClinVar variation 1372581 (VCV001372581.8), dbSNP rs769751911, ClinGen allele CA5518437.